The following is an entry in ClinVar:

ClinVar aggregate classification (germline): Pathogenic. Review status: criteria provided, single submitter (1 of 4 stars). 2 submissions from 2 submitters: Pathogenic (1). 1 of the submissions does not count toward it. Last evaluated 2016-11-11.

Conditions:
Breast-ovarian cancer, familial, susceptibility to, 2 (BROVCA2). Also called: BRCA2 Hereditary Breast and Ovarian Cancer. Identifiers: Orphanet 145, MedGen C2675520, MONDO:0012933, OMIM 612555. Disease mechanism: loss of function.
Hereditary breast ovarian cancer syndrome. Also called: BRCA1- and BRCA2-Associated Hereditary Breast and Ovarian Cancer; Hereditary breast and/or ovarian cancer syndrome; Hereditary breast and ovarian cancer; Hereditary breast and ovarian cancer syndrome; Hereditary breast and ovarian cancer syndrome (HBOC); Breast and ovarian cancer. Identifiers: Orphanet 145, MedGen C0677776, MeSH D061325, MONDO:0003582. Disease mechanism: loss of function.

Submissions (2):

Labcorp Genetics (formerly Invitae), Labcorp
Classification: Pathogenic for Hereditary breast ovarian cancer syndrome. Last evaluated: 2016-11-11. Review status: criteria provided, single submitter. Criteria: Invitae Variant Classification Sherloc (09022015). Collection method: clinical testing. Allele origin: germline.
Comment: This variant is a gross deletion of the genomic region encompassing exon 23 and the first 19 nucleotides of exon 24 of the BRCA2 gene (c.8954-8_9136del). The 5' breakpoint of this deletion is within intron 22 at c.8954-8, and the 3' breakpoint is within exon 24 at c.9136. This creates a premature translational stop signal and is expected to result in an absent or disrupted protein product. While this particular variant has not been reported in the literature, loss-of-function variants in BRCA2 are known to be pathogenic (PMID: 20104584). For these reasons, this variant has been classified as Pathogenic.

BRCAlab, Lund University
Classification: Pathogenic for Breast-ovarian cancer, familial, susceptibility to, 2. Last evaluated: 2020-03-02. Review status: no assertion criteria provided. Collection method: clinical testing. Allele origin: germline. Affected: yes. Not counted in ClinVar's aggregate classification.

NM_000059.4(BRCA2):c.8954-8_9136del

Gene: BRCA2 (BRCA2 DNA repair associated; plus strand). Cytogenetic location: 13q13.1.
Variant type: Deletion.
Coding change: c.8954-8_9136del on transcript NM_000059.4 (MANE Select); 8 bases into the intron before coding-DNA position 8954 through coding-DNA position 9136, 284 bases deleted.
Molecular consequence: splice acceptor variant, splice donor variant.
Genome position (GRCh38, 1-based): chr13:32,379,742-32,380,025, 284 bases deleted. GRCh37 (hg19): chr13:32,953,879-32,954,162.
Identifiers: ClinVar variation 429037 (VCV000429037.2), dbSNP rs1555288431, ClinGen allele CA645369604.